The following is an entry in ClinVar:

NM_000274.4(OAT):c.626A>G (p.Tyr209Cys)

Gene: OAT (ornithine aminotransferase; minus strand). Cytogenetic location: 10q26.13.
Variant type: single nucleotide variant.
Coding change: c.626A>G on transcript NM_000274.4 (MANE Select); coding-DNA position 626, A replaced by G.
Protein change: p.Tyr209Cys; replaces tyrosine 209 with cysteine.
Molecular consequence: missense variant.
Genome position (GRCh38, 1-based): chr10:124,405,458, T>C on the plus strand (A>G on the coding strand, the complement: OAT is on the minus strand). VCF-style: chr10-124405458-T-C. GRCh37 (hg19) VCF-style: chr10-126094027-T-C.
Other names: c.212A>G, p.Tyr71Cys (NM_001171814.2); c.626A>G, p.Tyr209Cys (NM_001322965.2, NM_001322966.2, NM_001322967.2 and 3 more transcripts); c.305A>G, p.Tyr102Cys (NM_001322971.2); c.26A>G, p.Tyr9Cys (NM_001322974.2); c.626A>G (NM_000274.3); short protein forms Y102C, Y209C, Y71C, Y9C.
Identifiers: ClinVar variation 1504740 (VCV001504740.8), dbSNP rs2134465189, ClinGen allele CA378636193.

ClinVar aggregate classification (germline): Uncertain significance. Review status: criteria provided, multiple submitters, no conflicts (2 of 4 stars). 2 submissions from 2 submitters: Uncertain significance (2). Last evaluated 2025-02-22.

Conditions:
Ornithine aminotransferase deficiency (GACR). Also called: HYPERORNITHINEMIA WITH GYRATE ATROPHY OF CHOROID AND RETINA; Ornithine ketoacid aminotransferase deficiency; Gyrate atrophy; Gyrate atrophy of choroid and retina; Girate atrophy of the retina; OAT DEFICIENCY. Identifiers: Orphanet 414, MedGen C0018425, MONDO:0009796, OMIM 258870.
Inborn genetic diseases. Identifiers: MedGen C0950123, MeSH D030342.

Allele frequency attached by ClinVar (database versions not stated): gnomAD exomes below 0.00001.
gnomAD v4.1: 1 of 1,613,980 alleles (0.000062%); highest among the groups gnomAD compares: South Asian, 0.0011%; no homozygotes.

Submissions (2):

Ambry Genetics
Classification: Uncertain significance for Inborn genetic diseases. Last evaluated: 2025-02-22. Review status: criteria provided, single submitter. Criteria: Ambry Variant Classification Scheme 2023. Collection method: clinical testing. Allele origin: germline.

Labcorp Genetics (formerly Invitae), Labcorp
Classification: Uncertain significance for Ornithine aminotransferase deficiency. Last evaluated: 2023-05-09. Review status: criteria provided, single submitter. Criteria: Invitae Variant Classification Sherloc (09022015). Collection method: clinical testing. Allele origin: germline.
Comment: Advanced modeling of protein sequence and biophysical properties (such as structural, functional, and spatial information, amino acid conservation, physicochemical variation, residue mobility, and thermodynamic stability) performed at Invitae indicates that this missense variant is expected to disrupt OAT protein function. In summary, the available evidence is currently insufficient to determine the role of this variant in disease. Therefore, it has been classified as a Variant of Uncertain Significance. ClinVar contains an entry for this variant (Variation ID: 1504740). This sequence change replaces tyrosine, which is neutral and polar, with cysteine, which is neutral and slightly polar, at codon 209 of the OAT protein (p.Tyr209Cys). This variant is not present in population databases (gnomAD no frequency). This variant has not been reported in the literature in individuals affected with OAT-related conditions.